The following is an entry in ClinVar:

ClinVar aggregate classification (germline): Likely benign. Review status: criteria provided, single submitter (1 of 4 stars). 2 submissions from 2 submitters: Likely benign (1). 1 of the submissions does not count toward it. Last evaluated 2018-06-09.

Conditions:
WAC-related disorder. Also called: WAC-related condition.

Allele frequency attached by ClinVar (database versions not stated): ExAC 0.00004; gnomAD 0.00007 and 0.00008; gnomAD exomes 0.00007 and 0.00019; TOPMed 0.00009; ESP Exome Variant Server 0.00031.
gnomAD v4.1: 292 of 1,600,278 alleles (0.018%); highest among the groups gnomAD compares: Non-Finnish European, 0.023%; no homozygotes.

Submissions (2):

Labcorp Genetics (formerly Invitae), Labcorp
Classification: Likely benign. Last evaluated: 2018-06-09. Review status: criteria provided, single submitter. Criteria: Invitae Variant Classification Sherloc (09022015). Collection method: clinical testing. Allele origin: germline.

PreventionGenetics, part of Exact Sciences
Classification: Likely benign for WAC-related condition. Last evaluated: 2019-07-12. Review status: no assertion criteria provided. Collection method: clinical testing. Allele origin: germline. Not counted in ClinVar's aggregate classification.
Comment: This variant is classified as likely benign based on ACMG/AMP sequence variant interpretation guidelines (Richards et al. 2015 PMID: 25741868, with internal and published modifications).

NM_016628.5(WAC):c.324T>C (p.His108=)

Gene: WAC (WW domain containing adaptor with coiled-coil; plus strand). Cytogenetic location: 10p12.1.
Variant type: single nucleotide variant.
Coding change: c.324T>C on transcript NM_016628.5 (MANE Select); coding-DNA position 324, T replaced by C.
Protein change: p.His108=; no amino-acid change (histidine 108 retained).
Molecular consequence: synonymous variant.
Genome position (GRCh38, 1-based): chr10:28,583,448, T>C. VCF-style: chr10-28583448-T-C. GRCh37 (hg19) VCF-style: chr10-28872377-T-C.
Other names: c.189T>C, p.His63= (NM_100264.3); c.324T>C, p.His108= (NM_100486.4).
Identifiers: ClinVar variation 752763 (VCV000752763.5), dbSNP rs151334090, ClinGen allele CA5454753.
Genomic context (GRCh38, chr10:28,583,448, plus strand): 5'-ATTTTTTTAAGGGACCAGTTACTCTCCACAAGAAAATTCACACAACCACAGTGCTCTTCA[T>C]AGTTCAAATTCACATTCTTCTAATCCAAGCAATAACCCAAGCAAAACTTCAGATGCAGTA-3'
Protein context (NP_057712.2, residues 98-118): QENSHNHSAL[His108=]SSNSHSSNPS